The following is an entry in ClinVar:

NM_002272.4(KRT4):c.*267G>A

Gene: KRT4 (keratin 4; minus strand). Cytogenetic location: 12q13.13.
Variant type: single nucleotide variant.
Coding change: c.*267G>A on transcript NM_002272.4 (MANE Select); 267 bases downstream of the stop codon, G replaced by A.
Molecular consequence: 3 prime UTR variant.
Genome position (GRCh38, 1-based): chr12:52,806,802, C>T on the plus strand (G>A on the coding strand, the complement: KRT4 is on the minus strand). VCF-style: chr12-52806802-C-T. GRCh37 (hg19) VCF-style: chr12-53200586-C-T.
Identifiers: ClinVar variation 309660 (VCV000309660.5), dbSNP rs546884677, ClinGen allele CA10642809.

ClinVar aggregate classification (germline): Benign (1 of 4 stars; one submission).

Conditions:
White sponge nevus 1. Also called: LEUKOKERATOSIS, HEREDITARY MUCOSAL. Identifiers: MedGen C4011926, MONDO:0008676, OMIM 193900.

Allele frequency attached by ClinVar (database versions not stated): gnomAD 0.00002 and 0.00003; TOPMed 0.00002; gnomAD exomes 0.00009; 1000 Genomes Project 30x 0.00031; 1000 Genomes Project 0.00040.
gnomAD v4.1: 40 of 547,670 alleles (0.0073%); highest among the groups gnomAD compares: Non-Finnish European, 0.012%; 1 homozygote.

Submission:

Illumina Laboratory Services, Illumina
Classification: Benign for White sponge nevus 1. Last evaluated: 2018-01-12. Review status: criteria provided, single submitter. Criteria: ICSL Variant Classification Criteria 13 December 2019. Collection method: clinical testing. Allele origin: germline.
Comment: This variant was observed in the ICSL laboratory as part of a predisposition screen in an ostensibly healthy population. It had not been previously curated by ICSL or reported in the Human Gene Mutation Database (HGMD: prior to June 1st, 2018), and was therefore a candidate for classification through an automated scoring system. Utilizing variant allele frequency, disease prevalence and penetrance estimates, and inheritance mode, an automated score was calculated to assess if this variant is too frequent to cause the disease. Based on the score and internal cut-off values, a variant classified as benign is not then subjected to further curation. The score for this variant resulted in a classification of benign for this disease.